The following is an entry in ClinVar:

NM_005901.6(SMAD2):c.968_981del (p.Ala323fs)

Gene: SMAD2 (SMAD family member 2; minus strand). Cytogenetic location: 18q21.1.
Variant type: Deletion.
Coding change: c.968_981del on transcript NM_005901.6 (MANE Select); coding-DNA positions 968 to 981, 14 bases deleted (CCACGGTAGAAATG).
Protein change: p.Ala323fs; shifts the reading frame from alanine 323.
Molecular consequence: frameshift variant.
Genome position (GRCh38, 1-based): chr18:47,848,491-47,848,504, CATTTCTACCGTGG deleted on the plus strand (CCACGGTAGAAATG on the coding strand, the reverse complement: SMAD2 is on the minus strand); deleting any 14 consecutive bases within chr18:47,848,491-47,848,510 gives the same sequence; the c. name uses the placement nearest the transcript's 3' end. VCF-style (leftmost placement, unchanged base first): chr18-47848490-TCATTTCTACCGTGG-T. GRCh37 (hg19) VCF-style: chr18-45374861-TCATTTCTACCGTGG-T.
Other names: c.968_981del, p.Ala323fs (NM_001003652.4); c.878_891del, p.Ala293fs (NM_001135937.3); c.968_981del14 (NM_005901.6); short protein forms A293fs, A323fs.
Identifiers: ClinVar variation 4887363 (VCV004887363.1).

ClinVar aggregate classification (germline): Pathogenic (1 of 4 stars; one submission).

Conditions:
Loeys-Dietz syndrome (LDS). Identifiers: Orphanet 60030, MedGen C2697932, MONDO:0018954.

Submission:

Women's Health and Genetics/Laboratory Corporation of America, LabCorp
Classification: Pathogenic for Loeys-Dietz syndrome. Last evaluated: 2026-06-10. Review status: criteria provided, single submitter. Criteria: LabCorp Variant Classification Summary - May 2015. Collection method: clinical testing. Allele origin: germline.
Comment: Variant summary: SMAD2 c.968_981del14 (p.Ala323AspfsX21) results in a premature termination codon, predicted to cause a truncation of the encoded protein or absence of the protein due to nonsense mediated decay, which are commonly known mechanisms for disease. The variant was absent in 251426 control chromosomes. To our knowledge, no occurrence of c.968_981del14 in individuals affected with SMAD2-related conditions and no experimental evidence demonstrating its impact on protein function have been reported. No submitters have cited clinical-significance assessments for this variant to ClinVar. Based on the evidence outlined above, the variant was classified as pathogenic.